The following is an entry in ClinVar:

NM_001369369.1(FOXN1):c.1741T>A (p.Phe581Ile)

Gene: FOXN1 (forkhead box N1; plus strand). Cytogenetic location: 17q11.2.
Variant type: single nucleotide variant.
Coding change: c.1741T>A on transcript NM_001369369.1 (MANE Select); coding-DNA position 1741, T replaced by A.
Protein change: p.Phe581Ile; replaces phenylalanine 581 with isoleucine.
Molecular consequence: missense variant.
Genome position (GRCh38, 1-based): chr17:28,537,230, T>A. VCF-style: chr17-28537230-T-A. GRCh37 (hg19) VCF-style: chr17-26864248-T-A.
Other names: c.1741T>A, p.Phe581Ile (NM_003593.3); short protein forms F581I.
Identifiers: ClinVar variation 1469454 (VCV001469454.8), dbSNP rs1273823392, ClinGen allele CA398327803.

ClinVar aggregate classification (germline): Uncertain significance (1 of 4 stars; one submission).

Conditions:
T-cell immunodeficiency, congenital alopecia, and nail dystrophy. Also called: Congenital alopecia and nail dystrophy associated with severe functional T-cell immunodeficiency; Pignata Guarino syndrome. Identifiers: Orphanet 169095, MedGen C1866426, MONDO:0011132, OMIM 601705.

Submission:

Labcorp Genetics (formerly Invitae), Labcorp
Classification: Uncertain significance for T-cell immunodeficiency, congenital alopecia, and nail dystrophy. Last evaluated: 2021-03-29. Review status: criteria provided, single submitter. Criteria: Invitae Variant Classification Sherloc (09022015). Collection method: clinical testing. Allele origin: germline.
Comment: In summary, the available evidence is currently insufficient to determine the role of this variant in disease. Therefore, it has been classified as a Variant of Uncertain Significance. Algorithms developed to predict the effect of missense changes on protein structure and function (SIFT, PolyPhen-2, Align-GVGD) all suggest that this variant is likely to be tolerated, but these predictions have not been confirmed by published functional studies and their clinical significance is uncertain. This variant has not been reported in the literature in individuals with FOXN1-related conditions. This variant is not present in population databases (ExAC no frequency). This sequence change replaces phenylalanine with isoleucine at codon 581 of the FOXN1 protein (p.Phe581Ile). The phenylalanine residue is moderately conserved and there is a small physicochemical difference between phenylalanine and isoleucine.